The following is an entry in ClinVar:

NM_000038.6(APC):c.4263T>A (p.Ser1421Arg)

Gene: APC (APC regulator of Wnt signaling pathway; plus strand). Cytogenetic location: 5q22.2.
Variant type: single nucleotide variant.
Coding change: c.4263T>A on transcript NM_000038.6 (MANE Select); coding-DNA position 4263, T replaced by A.
Protein change: p.Ser1421Arg; replaces serine 1421 with arginine.
Molecular consequence: missense variant. On other transcripts: non-coding transcript variant (2).
Genome position (GRCh38, 1-based): chr5:112,839,857, T>A. VCF-style: chr5-112839857-T-A. GRCh37 (hg19) VCF-style: chr5-112175554-T-A.
Other names: c.4263T>A, p.Ser1421Arg (NM_001127510.3, NM_001354895.2, NM_001407450.1); c.4209T>A, p.Ser1403Arg (NM_001127511.3); c.4317T>A, p.Ser1439Arg (NM_001354896.2, NM_001407447.1, NM_001407448.1 and 1 more transcripts); c.4293T>A, p.Ser1431Arg (NM_001354897.2); c.4188T>A, p.Ser1396Arg (NM_001354898.2); c.4179T>A, p.Ser1393Arg (NM_001354899.2); c.4140T>A, p.Ser1380Arg (NM_001354900.2); c.4086T>A, p.Ser1362Arg (NM_001354901.2, NM_001407453.1); and 11 more; short protein forms S1138R, S1362R, S1380R, S1396R, S1414R, S1421R, S1449R, S1037R.
Identifiers: ClinVar variation 2452742 (VCV002452742.2), dbSNP rs2149910272, ClinGen allele CA16030671.

ClinVar aggregate classification (germline): Uncertain significance (1 of 4 stars; one submission).

Conditions:
Hereditary cancer-predisposing syndrome. Also called: Neoplastic Syndromes, Hereditary; Tumor predisposition; Hereditary neoplastic syndrome; Hereditary Cancer Syndrome. Identifiers: Orphanet 140162, MedGen C0027672, MeSH D009386, MONDO:0015356.

Submission:

Ambry Genetics
Classification: Uncertain significance for Hereditary cancer-predisposing syndrome. Last evaluated: 2023-02-17. Review status: criteria provided, single submitter. Criteria: Ambry Variant Classification Scheme 2023. Collection method: clinical testing. Allele origin: germline.
Comment: The p.S1421R variant (also known as c.4263T>A), located in coding exon 15 of the APC gene, results from a T to A substitution at nucleotide position 4263. The serine at codon 1421 is replaced by arginine, an amino acid with dissimilar properties. This amino acid position is conserved. In addition, in silico predictors for this gene do not accurately predict pathogenicity. Since supporting evidence is limited at this time, the clinical significance of this alteration remains unclear.